The following is an entry in ClinVar:

ClinVar aggregate classification (germline): Uncertain significance (1 of 4 stars; one submission).

gnomAD v4.1: 2 of 1,613,878 alleles (0.00012%); highest among the groups gnomAD compares: Non-Finnish European, 0.00017%; no homozygotes.

Submission:

Labcorp Genetics (formerly Invitae), Labcorp
Classification: Uncertain significance. Last evaluated: 2023-07-07. Review status: criteria provided, single submitter. Criteria: Invitae Variant Classification Sherloc (09022015). Collection method: clinical testing. Allele origin: germline.
Comment: In summary, the available evidence is currently insufficient to determine the role of this variant in disease. Therefore, it has been classified as a Variant of Uncertain Significance. An algorithm developed to predict the effect of missense changes on protein structure and function (PolyPhen-2) suggests that this variant is likely to be tolerated. ClinVar contains an entry for this variant (Variation ID: 835779). This variant has not been reported in the literature in individuals affected with CACNA2D4-related conditions. This variant is not present in population databases (gnomAD no frequency). This sequence change replaces glutamic acid, which is acidic and polar, with aspartic acid, which is acidic and polar, at codon 116 of the CACNA2D4 protein (p.Glu116Asp).

NM_172364.5(CACNA2D4):c.348G>C (p.Glu116Asp)

Gene: CACNA2D4 (calcium voltage-gated channel auxiliary subunit alpha2delta 4; minus strand). Cytogenetic location: 12p13.33.
Variant type: single nucleotide variant.
Coding change: c.348G>C on transcript NM_172364.5 (MANE Select); coding-DNA position 348, G replaced by C.
Protein change: p.Glu116Asp; replaces glutamic acid 116 with aspartic acid.
Molecular consequence: missense variant.
Genome position (GRCh38, 1-based): chr12:1,913,101, C>G on the plus strand (G>C on the coding strand, the complement: CACNA2D4 is on the minus strand). VCF-style: chr12-1913101-C-G. GRCh37 (hg19) VCF-style: chr12-2022267-C-G.
Other names: short protein forms E116D.
Identifiers: ClinVar variation 835779 (VCV000835779.9), dbSNP rs1866874632, ClinGen allele CA383365013.